The following is an entry in ClinVar:

ClinVar aggregate classification (germline): Uncertain significance (1 of 4 stars; one submission).

Conditions:
Mitochondrial DNA depletion syndrome 9 (MTDPS9). Also called: SUCLG1-Related Mitochondrial DNA Depletion Syndrome, Encephalomyopathic Form with Methylmalonic Aciduria. Identifiers: Orphanet 17, MedGen C3151476, MONDO:0009504, OMIM 245400.

gnomAD v4.1: 2 of 1,613,980 alleles (0.00012%); highest among the groups gnomAD compares: Non-Finnish European, 0.00017%; no homozygotes.

Submission:

Labcorp Genetics (formerly Invitae), Labcorp
Classification: Uncertain significance for Mitochondrial DNA depletion syndrome 9. Last evaluated: 2024-10-23. Review status: criteria provided, single submitter. Criteria: Invitae Variant Classification Sherloc (09022015). Collection method: clinical testing. Allele origin: germline.
Comment: This sequence change falls in intron 4 of the SUCLG1 gene. It does not directly change the encoded amino acid sequence of the SUCLG1 protein. This variant is not present in population databases (gnomAD no frequency). This variant has not been reported in the literature in individuals affected with SUCLG1-related conditions. Algorithms developed to predict the effect of sequence changes on RNA splicing suggest that this variant may disrupt the consensus splice site. In summary, the available evidence is currently insufficient to determine the role of this variant in disease. Therefore, it has been classified as a Variant of Uncertain Significance.

NM_003849.4(SUCLG1):c.532-5T>A

Gene: SUCLG1 (succinate-CoA ligase GDP/ADP-forming subunit alpha; minus strand). Cytogenetic location: 2p11.2.
Variant type: single nucleotide variant.
Coding change: c.532-5T>A on transcript NM_003849.4 (MANE Select); 5 bases into the intron before coding-DNA position 532, T replaced by A.
Molecular consequence: intron variant.
Genome position (GRCh38, 1-based): chr2:84,441,109, A>T on the plus strand (T>A on the coding strand, the complement: SUCLG1 is on the minus strand). VCF-style: chr2-84441109-A-T. GRCh37 (hg19) VCF-style: chr2-84668233-A-T.
Identifiers: ClinVar variation 3617326 (VCV003617326.2).